The following is an entry in ClinVar:

NM_001004334.4(GPR179):c.4664C>G (p.Ser1555Cys)

Gene: GPR179 (G protein-coupled receptor 179; minus strand). Cytogenetic location: 17q12.
Variant type: single nucleotide variant.
Coding change: c.4664C>G on transcript NM_001004334.4 (MANE Select); coding-DNA position 4664, C replaced by G.
Protein change: p.Ser1555Cys; replaces serine 1555 with cysteine.
Molecular consequence: missense variant.
Genome position (GRCh38, 1-based): chr17:38,328,905, G>C on the plus strand (C>G on the coding strand, the complement: GPR179 is on the minus strand). VCF-style: chr17-38328905-G-C. GRCh37 (hg19) VCF-style: chr17-36484788-G-C.
Other names: c.4664C>G (NM_001004334.2); short protein forms S1555C.
Identifiers: ClinVar variation 1353214 (VCV001353214.6), dbSNP rs770775330, ClinGen allele CA290103991.

ClinVar aggregate classification (germline): Uncertain significance. Review status: criteria provided, multiple submitters, no conflicts (2 of 4 stars). 2 submissions from 2 submitters: Uncertain significance (2). Last evaluated 2024-04-04.

Conditions:
Inborn genetic diseases. Identifiers: MedGen C0950123, MeSH D030342.

Allele frequency attached by ClinVar (database versions not stated): gnomAD 0.00001; ExAC 0.00002; TOPMed 0.00002; gnomAD exomes 0.00001.
gnomAD v4.1: 16 of 1,613,972 alleles (0.00099%); highest among the groups gnomAD compares: Middle Eastern, 0.016%; no homozygotes.

Submissions (2):

Ambry Genetics
Classification: Uncertain significance for Inborn genetic diseases. Last evaluated: 2024-04-04. Review status: criteria provided, single submitter. Criteria: Ambry Variant Classification Scheme 2023. Collection method: clinical testing. Allele origin: germline.

Labcorp Genetics (formerly Invitae), Labcorp
Classification: Uncertain significance. Last evaluated: 2021-09-24. Review status: criteria provided, single submitter. Criteria: Invitae Variant Classification Sherloc (09022015). Collection method: clinical testing. Allele origin: germline.
Comment: This sequence change replaces serine with cysteine at codon 1555 of the GPR179 protein (p.Ser1555Cys). The serine residue is weakly conserved and there is a moderate physicochemical difference between serine and cysteine. This variant is present in population databases (rs770775330, ExAC 0.003%). This variant has not been reported in the literature in individuals with GPR179-related conditions. Algorithms developed to predict the effect of missense changes on protein structure and function are either unavailable or do not agree on the potential impact of this missense change (SIFT: "Deleterious"; PolyPhen-2: "Possibly Damaging"; Align-GVGD: "Class C0"). In summary, the available evidence is currently insufficient to determine the role of this variant in disease. Therefore, it has been classified as a Variant of Uncertain Significance.